The following is an entry in ClinVar:

ClinVar aggregate classification (germline): Uncertain significance. Review status: criteria provided, multiple submitters, no conflicts (2 of 4 stars). 5 submissions from 5 submitters: Uncertain significance (3). 2 of the submissions do not count toward it. Last evaluated 2025-08-31.

Allele frequency attached by ClinVar (database versions not stated): ExAC 0.00012; gnomAD exomes 0.00012 and 0.00019; TOPMed 0.00019; gnomAD 0.00020 and 0.00021; ESP Exome Variant Server 0.00031.
gnomAD v4.1: 305 of 1,613,584 alleles (0.019%); highest among the groups gnomAD compares: Non-Finnish European, 0.024%; no homozygotes.

Submissions (5):

Labcorp Genetics (formerly Invitae), Labcorp
Classification: Uncertain significance. Last evaluated: 2025-08-31. Review status: criteria provided, single submitter. Criteria: Invitae Variant Classification Sherloc (09022015). Collection method: clinical testing. Allele origin: germline.
Comment: This sequence change replaces methionine, which is neutral and non-polar, with leucine, which is neutral and non-polar, at codon 909 of the GRM1 protein (p.Met909Leu). This variant is present in population databases (rs138759146, gnomAD 0.03%). This variant has not been reported in the literature in individuals affected with GRM1-related conditions. ClinVar contains an entry for this variant (Variation ID: 585959). An algorithm developed to predict the effect of missense changes on protein structure and function (PolyPhen-2) suggests that this variant is likely to be tolerated. In summary, the available evidence is currently insufficient to determine the role of this variant in disease. Therefore, it has been classified as a Variant of Uncertain Significance.

Blueprint Genetics
Classification: Uncertain significance. Last evaluated: 2024-11-19. Review status: criteria provided, single submitter. Criteria: ACMG Guidelines, 2015. Collection method: clinical testing. Allele origin: germline.

Athena Diagnostics
Classification: Uncertain significance. Last evaluated: 2023-10-20. Review status: criteria provided, single submitter. Criteria: Athena Diagnostics Criteria. Collection method: clinical testing. Allele origin: unknown.
Comment: Available data are insufficient to determine the clinical significance of the variant at this time. The frequency of this variant in the general population is uninformative in assessment of its pathogenicity. Computational tools predict that this variant is not damaging.

Clinical Genetics DNA and cytogenetics Diagnostics Lab, Erasmus MC, Erasmus Medical Center
Classification: Likely benign. Review status: no assertion criteria provided. Collection method: clinical testing. Allele origin: germline. Affected: yes. Study: VKGL Data-share Consensus. Not counted in ClinVar's aggregate classification.

Laboratory of Diagnostic Genome Analysis, Leiden University Medical Center (LUMC)
Classification: Likely benign. Review status: no assertion criteria provided. Collection method: clinical testing. Allele origin: germline. Affected: yes. Study: VKGL Data-share Consensus. Not counted in ClinVar's aggregate classification.

Literature cited by the submitters: PubMed 22558107 (cited by Athena Diagnostics); PubMed 27957625 (cited by Athena Diagnostics).

NM_001278064.2(GRM1):c.2725A>C (p.Met909Leu)

Gene: GRM1 (glutamate metabotropic receptor 1; plus strand). Cytogenetic location: 6q24.3.
Variant type: single nucleotide variant.
Coding change: c.2725A>C on transcript NM_001278064.2 (MANE Select); coding-DNA position 2725, A replaced by C.
Protein change: p.Met909Leu; replaces methionine 909 with leucine.
Molecular consequence: missense variant. On other transcripts: 3 prime UTR variant (2).
Genome position (GRCh38, 1-based): chr6:146,433,936, A>C. VCF-style: chr6-146433936-A-C. GRCh37 (hg19) VCF-style: chr6-146755072-A-C.
Other names: c.*89A>C (NM_001278065.2); c.*54A>C (NM_001278066.1); c.2690A>C, p.Tyr897Ser (NM_001278067.1); short protein forms M909L, Y897S.
Identifiers: ClinVar variation 585959 (VCV000585959.10), dbSNP rs138759146, ClinGen allele CA4037545.